The following is an entry in ClinVar:

NM_000528.4(MAN2B1):c.1598G>A (p.Gly533Asp)

Gene: MAN2B1 (mannosidase alpha class 2B member 1; minus strand). Cytogenetic location: 19p13.13.
Variant type: single nucleotide variant.
Coding change: c.1598G>A on transcript NM_000528.4 (MANE Select); coding-DNA position 1598, G replaced by A.
Protein change: p.Gly533Asp; replaces glycine 533 with aspartic acid.
Molecular consequence: missense variant.
Genome position (GRCh38, 1-based): chr19:12,656,617, C>T on the plus strand (G>A on the coding strand, the complement: MAN2B1 is on the minus strand). VCF-style: chr19-12656617-C-T. GRCh37 (hg19) VCF-style: chr19-12767431-C-T.
Other names: c.1595G>A, p.Gly532Asp (NM_001173498.2); short protein forms G533D, G532D.
Identifiers: ClinVar variation 1506013 (VCV001506013.6), dbSNP rs2145253098, ClinGen allele CA404245620.
Genomic context (GRCh38, chr19:12,656,617, plus strand): 5'-TTGTTTGGGCTCACATCGCTGGGCACTGTCCTGCCATTGGGGTCCTTCACAACGAAAACG[C>T]CTTCGCTGACCGGCAGCCGTACCATCCAATTCACCTTCCGCCCCAGGGGATTATAAACGA-3'
Protein context (NP_000519.2, residues 523-543): NWMVRLPVSE[Gly533Asp]VFVVKDPNGR

ClinVar aggregate classification (germline): Uncertain significance (1 of 4 stars; one submission).

Conditions:
Deficiency of alpha-mannosidase (MANSA). Also called: Alpha-Mannosidosis; LYSOSOMAL ALPHA-D-MANNOSIDASE DEFICIENCY; Mannosidosis, alpha-, types I and II. Identifiers: Orphanet 61, MedGen C0024748, MONDO:0009561, OMIM 248500.

Submission:

Labcorp Genetics (formerly Invitae), Labcorp
Classification: Uncertain significance for Deficiency of alpha-mannosidase. Last evaluated: 2023-07-07. Review status: criteria provided, single submitter. Criteria: Invitae Variant Classification Sherloc (09022015). Collection method: clinical testing. Allele origin: germline.
Comment: This sequence change replaces glycine, which is neutral and non-polar, with aspartic acid, which is acidic and polar, at codon 533 of the MAN2B1 protein (p.Gly533Asp). This variant is not present in population databases (gnomAD no frequency). This variant has not been reported in the literature in individuals affected with MAN2B1-related conditions. ClinVar contains an entry for this variant (Variation ID: 1506013). Advanced modeling of protein sequence and biophysical properties (such as structural, functional, and spatial information, amino acid conservation, physicochemical variation, residue mobility, and thermodynamic stability) performed at Invitae indicates that this missense variant is not expected to disrupt MAN2B1 protein function. In summary, the available evidence is currently insufficient to determine the role of this variant in disease. Therefore, it has been classified as a Variant of Uncertain Significance.